The following is an entry in ClinVar:

ClinVar aggregate classification (germline): Uncertain significance (1 of 4 stars; one submission).

gnomAD v4.1: 4 of 1,488,208 alleles (0.00027%); highest among the groups gnomAD compares: Non-Finnish European, 0.00036%; no homozygotes.

Submission:

Labcorp Genetics (formerly Invitae), Labcorp
Classification: Uncertain significance. Last evaluated: 2022-07-19. Review status: criteria provided, single submitter. Criteria: Invitae Variant Classification Sherloc (09022015). Collection method: clinical testing. Allele origin: germline.
Comment: This sequence change replaces glycine, which is neutral and non-polar, with cysteine, which is neutral and slightly polar, at codon 83 of the KCNC3 protein (p.Gly83Cys). In summary, the available evidence is currently insufficient to determine the role of this variant in disease. Therefore, it has been classified as a Variant of Uncertain Significance. Advanced modeling of protein sequence and biophysical properties (such as structural, functional, and spatial information, amino acid conservation, physicochemical variation, residue mobility, and thermodynamic stability) performed at Invitae indicates that this missense variant is not expected to disrupt KCNC3 protein function. This variant has not been reported in the literature in individuals affected with KCNC3-related conditions. This variant is not present in population databases (gnomAD no frequency).

NM_004977.3(KCNC3):c.247G>T (p.Gly83Cys)

Gene: KCNC3 (potassium voltage-gated channel subfamily C member 3; minus strand). Cytogenetic location: 19q13.33.
Variant type: single nucleotide variant.
Coding change: c.247G>T on transcript NM_004977.3 (MANE Select); coding-DNA position 247, G replaced by T.
Protein change: p.Gly83Cys; replaces glycine 83 with cysteine.
Molecular consequence: missense variant.
Genome position (GRCh38, 1-based): chr19:50,328,836, C>A on the plus strand (G>T on the coding strand, the complement: KCNC3 is on the minus strand). VCF-style: chr19-50328836-C-A. GRCh37 (hg19) VCF-style: chr19-50832093-C-A.
Other names: c.19G>T, p.Gly7Cys (NM_001372305.1); short protein forms G7C, G83C.
Identifiers: ClinVar variation 2038057 (VCV002038057.4), dbSNP rs1363824131, ClinGen allele CA406956201.